The following is an entry in ClinVar:

ClinVar aggregate classification (germline): Pathogenic/Likely pathogenic. Review status: criteria provided, multiple submitters, no conflicts (2 of 4 stars). 2 submissions from 2 submitters: Pathogenic (1); Likely pathogenic (1). Last evaluated 2025-04-01.

Conditions:
Dilated cardiomyopathy 1G (CMD1G). Identifiers: Orphanet 154, MedGen C1858763, MONDO:0011400, OMIM 604145.
Autosomal recessive limb-girdle muscular dystrophy type 2J (LGMDR10). Also called: MUSCULAR DYSTROPHY, LIMB-GIRDLE, AUTOSOMAL RECESSIVE 10; Limb-girdle muscular dystrophy, type 2J. Identifiers: Orphanet 140922, MedGen C1837342, MONDO:0012127, OMIM 608807.

Submissions (2):

Labcorp Genetics (formerly Invitae), Labcorp
Classification: Likely pathogenic for Dilated cardiomyopathy 1G; Autosomal recessive limb-girdle muscular dystrophy type 2J. Last evaluated: 2025-04-01. Review status: criteria provided, single submitter. Criteria: Invitae Variant Classification Sherloc (09022015). Collection method: clinical testing. Allele origin: germline.
Comment: This sequence change creates a premature translational stop signal (p.Leu29274Trpfs*3) in the TTN gene. While this is not anticipated to result in nonsense mediated decay, it is expected to create a truncated TTN protein. This variant is not present in population databases (gnomAD no frequency). This variant has not been reported in the literature in individuals affected with TTN-related conditions. ClinVar contains an entry for this variant (Variation ID: 202486). This variant is located in the A band of TTN (PMID: 25589632). Truncating variants in this region are significantly overrepresented in patients affected with dilated cardiomyopathy (PMID: 25589632). Truncating variants in this region have also been reported in individuals affected with autosomal recessive centronuclear myopathy (PMID: 23975875). In summary, the currently available evidence indicates that the variant is pathogenic, but additional data are needed to prove that conclusively. Therefore, this variant has been classified as Likely Pathogenic.

GeneDx
Classification: Pathogenic. Last evaluated: 2024-09-23. Review status: criteria provided, single submitter. Criteria: GeneDx Variant Classification Process June 2021. Collection method: clinical testing. Allele origin: germline. Affected: yes.
Comment: Frameshift variant predicted to result in protein truncation or nonsense mediated decay in a gene for which loss of function is a known mechanism of disease; Not observed at significant frequency in large population cohorts (gnomAD); Has not been previously published as pathogenic or benign to our knowledge; This variant is associated with the following publications: (PMID: 22335739)

Literature cited by the submitters: PubMed 25589632 (cited by Labcorp Genetics (formerly Invitae), Labcorp); PubMed 23975875 (cited by Labcorp Genetics (formerly Invitae), Labcorp).

NM_001267550.2(TTN):c.87820del (p.Leu29274fs)

Genes: TTN (titin; minus strand), TTN-AS1 (TTN antisense RNA 1; plus strand). Cytogenetic location: 2q31.2.
Variant type: Deletion.
Coding change: c.87820del on transcript NM_001267550.2 (MANE Select); coding-DNA position 87820, one base deleted (C; older notation c.87820delC).
Protein change: p.Leu29274fs; shifts the reading frame from leucine 29274.
Molecular consequence: frameshift variant.
Genome position (GRCh38, 1-based): chr2:178,557,442, G deleted on the plus strand (C on the coding strand, the reverse complement: TTN is on the minus strand); the first of 2 consecutive G bases (chr2:178,557,442-178,557,443); deleting either gives the same sequence. VCF-style (leftmost placement, unchanged base first): chr2-178557441-AG-A. GRCh37 (hg19) VCF-style: chr2-179422168-AG-A.
Other names: c.87820del (NM_001267550.1); c.82897del, p.Leu27633fs (NM_001256850.1); c.60625del, p.Leu20209fs (NM_003319.4); c.80116del, p.Leu26706fs (NM_133378.4); c.61000del, p.Leu20334fs (NM_133432.3); c.61201del, p.Leu20401fs (NM_133437.4); c.82897delC (NM_001256850.1); short protein forms L26706fs, L29274fs, L20334fs, L20209fs, L20401fs, L27633fs.
Identifiers: ClinVar variation 202486 (VCV000202486.4), dbSNP rs794729358, ClinGen allele CA309449.